The following is an entry in ClinVar:

ClinVar aggregate classification (germline): Pathogenic (1 of 4 stars; one submission).

Submission:

GeneDx
Classification: Pathogenic. Last evaluated: 2018-03-16. Review status: criteria provided, single submitter. Criteria: GeneDx Variant Classification (06012015). Collection method: clinical testing. Allele origin: germline. Affected: yes.
Comment: The c.970_986del17 pathogenic variant in the OCRL gene causes a frameshift starting with codon Leucine 324, changes this amino acid to a Lysine residue and creates a premature Stop codon at position 9 of the new reading frame, denoted p.Leu324LysfsX9. This pathogenic variant is predicted to cause loss of normal protein function either through protein truncation or nonsense-mediated mRNA decay. The variant is not observed in large population cohorts (Lek et al., 2016).

NM_000276.4(OCRL):c.970_986del (p.Leu324fs)

Gene: OCRL (OCRL inositol polyphosphate-5-phosphatase; plus strand). Cytogenetic location: Xq26.1.
Variant type: Deletion.
Coding change: c.970_986del on transcript NM_000276.4 (MANE Select); coding-DNA positions 970 to 986, 17 bases deleted (CTTCTTATATTTGCCAG).
Protein change: p.Leu324fs; shifts the reading frame from leucine 324.
Molecular consequence: frameshift variant.
Genome position (GRCh38, 1-based): chrX:129,562,414-129,562,430, CTTCTTATATTTGCCAG deleted; deleting any 17 consecutive bases within chrX:129,562,413-129,562,430 gives the same sequence; the c. name uses the placement nearest the transcript's 3' end. VCF-style (leftmost placement, unchanged base first): chrX-129562412-TGCTTCTTATATTTGCCA-T. GRCh37 (hg19) VCF-style: chrX-128696389-TGCTTCTTATATTTGCCA-T.
Other names: c.973_989del, p.Leu325fs (NM_001318784.2); c.970_986del, p.Leu324fs (NM_001587.4); short protein forms L324fs, L325fs.
Identifiers: ClinVar variation 524022 (VCV000524022.2), dbSNP rs1556346271, ClinGen allele CA658799856.